The following is an entry in ClinVar:

NM_000255.4(MMUT):c.2123A>G (p.Gln708Arg)

Gene: MMUT (methylmalonyl-CoA mutase; minus strand). Cytogenetic location: 6p12.3.
Variant type: single nucleotide variant.
Coding change: c.2123A>G on transcript NM_000255.4 (MANE Select); coding-DNA position 2123, A replaced by G.
Protein change: p.Gln708Arg; replaces glutamine 708 with arginine.
Molecular consequence: missense variant.
Genome position (GRCh38, 1-based): chr6:49,435,457, T>C on the plus strand (A>G on the coding strand, the complement: MMUT is on the minus strand). VCF-style: chr6-49435457-T-C. GRCh37 (hg19) VCF-style: chr6-49403170-T-C.
Other names: short protein forms Q708R.
Identifiers: ClinVar variation 1469916 (VCV001469916.3), dbSNP rs769217429, ClinGen allele CA3846663.
Genomic context (GRCh38, chr6:49,435,457, plus strand): 5'-TAAGCTATCATTACTCAAGATTCCCATCACAGTACTAGAAAAATAGAGATAAAAAATACC[T>C]GAGGTGGTATCACCCCTCCACACATGACAAGAATATCTGGCCGTCCAAGGGAGTTAAGTT-3'
Protein context (NP_000246.2, residues 698-718): LVMCGGVIPP[Gln708Arg]DYEFLFEVGV

ClinVar aggregate classification (germline): Uncertain significance (1 of 4 stars; one submission).

Allele frequency attached by ClinVar (database versions not stated): gnomAD exomes below 0.00001 and 0.00001; ExAC 0.00002; gnomAD 0.00002; TOPMed 0.00003.
gnomAD v4.1: 7 of 1,613,040 alleles (0.00043%); highest among the groups gnomAD compares: African/African-American, 0.0067%; no homozygotes.

Submission:

Labcorp Genetics (formerly Invitae), Labcorp
Classification: Uncertain significance. Last evaluated: 2021-10-29. Review status: criteria provided, single submitter. Criteria: Invitae Variant Classification Sherloc (09022015). Collection method: clinical testing. Allele origin: germline.
Comment: This sequence change replaces glutamine, which is neutral and polar, with arginine, which is basic and polar, at codon 708 of the MUT protein (p.Gln708Arg). This variant is present in population databases (rs769217429, gnomAD 0.002%). This variant has not been reported in the literature in individuals affected with MUT-related conditions. Algorithms developed to predict the effect of missense changes on protein structure and function are either unavailable or do not agree on the potential impact of this missense change (SIFT: "Deleterious"; PolyPhen-2: "Benign"; Align-GVGD: "Class C35"). Algorithms developed to predict the effect of sequence changes on RNA splicing suggest that this variant may disrupt the consensus splice site. In summary, the available evidence is currently insufficient to determine the role of this variant in disease. Therefore, it has been classified as a Variant of Uncertain Significance.